The following is an entry in ClinVar:

ClinVar aggregate classification (germline): Benign. Review status: criteria provided, single submitter (1 of 4 stars). 2 submissions from 2 submitters: Benign (1). 1 of the submissions does not count toward it. Last evaluated 2018-12-31.

Conditions:
PTPRT-related disorder. Also called: PTPRT-related condition.

Allele frequency attached by ClinVar (database versions not stated): gnomAD 0.00003 and 0.00027; gnomAD exomes 0.00041 and 0.00122; 1000 Genomes Project 0.00220; ExAC 0.00227; 1000 Genomes Project 30x 0.00234.
gnomAD v4.1: 640 of 1,532,076 alleles (0.042%); highest among the groups gnomAD compares: South Asian, 0.68%; 8 homozygotes.

Submissions (2):

Labcorp Genetics (formerly Invitae), Labcorp
Classification: Benign. Last evaluated: 2018-12-31. Review status: criteria provided, single submitter. Criteria: Invitae Variant Classification Sherloc (09022015). Collection method: clinical testing. Allele origin: germline.

PreventionGenetics, part of Exact Sciences
Classification: Benign for PTPRT-related condition. Last evaluated: 2019-06-27. Review status: no assertion criteria provided. Collection method: clinical testing. Allele origin: germline. Not counted in ClinVar's aggregate classification.
Comment: This variant is classified as benign based on ACMG/AMP sequence variant interpretation guidelines (Richards et al. 2015 PMID: 25741868, with internal and published modifications).

NM_007050.6(PTPRT):c.2176+12068A>C

Gene: PTPRT (protein tyrosine phosphatase receptor type T; minus strand). Cytogenetic location: 20q12.
Variant type: single nucleotide variant.
Coding change: c.2176+12068A>C on transcript NM_007050.6 (MANE Select); 12068 bases into the intron after coding-DNA position 2176, A replaced by C.
Molecular consequence: intron variant. On other transcripts: missense variant (1).
Genome position (GRCh38, 1-based): chr20:42,270,421, T>G on the plus strand (A>C on the coding strand, the complement: PTPRT is on the minus strand). VCF-style: chr20-42270421-T-G. GRCh37 (hg19) VCF-style: chr20-40899061-T-G.
Other names: c.2209A>C, p.Thr737Pro (NM_133170.4); short protein forms T737P.
Identifiers: ClinVar variation 734405 (VCV000734405.5), dbSNP rs538256878, ClinGen allele CA9864355.